The following is an entry in ClinVar:

NM_001114753.3(ENG):c.1895C>T (p.Pro632Leu)

Gene: ENG (endoglin; minus strand). Cytogenetic location: 9q34.11.
Variant type: single nucleotide variant.
Coding change: c.1895C>T on transcript NM_001114753.3 (MANE Select); coding-DNA position 1895, C replaced by T.
Protein change: p.Pro632Leu; replaces proline 632 with leucine.
Molecular consequence: missense variant. On other transcripts: 3 prime UTR variant (1).
Genome position (GRCh38, 1-based): chr9:127,815,764, G>A on the plus strand (C>T on the coding strand, the complement: ENG is on the minus strand). VCF-style: chr9-127815764-G-A. GRCh37 (hg19) VCF-style: chr9-130578043-G-A.
Other names: c.*153C>T (NM_000118.4); c.1349C>T, p.Pro450Leu (NM_001278138.2); c.1895C>T (NM_001114753.1); short protein forms P450L, P632L.
Identifiers: ClinVar variation 3339935 (VCV003339935.3).

ClinVar aggregate classification (germline): Conflicting classifications of pathogenicity. Review status: criteria provided, conflicting classifications (1 of 4 stars). 3 submissions from 3 submitters: Uncertain significance (2); Likely benign (1). Last evaluated 2025-12-12.

Conditions:
Cardiovascular phenotype. Identifiers: MedGen CN230736.

Submissions (3):

Ambry Genetics
Classification: Likely benign for Cardiovascular phenotype. Last evaluated: 2025-12-12. Review status: criteria provided, single submitter. Criteria: Ambry Variant Classification Scheme 2023. Collection method: clinical testing. Allele origin: germline.

Women's Health and Genetics/Laboratory Corporation of America, LabCorp
Classification: Uncertain significance. Last evaluated: 2024-06-28. Review status: criteria provided, single submitter. Criteria: LabCorp Variant Classification Summary - May 2015. Collection method: clinical testing. Allele origin: germline.
Comment: Variant summary: ENG c.*153C>T is located in the untranslated mRNA region downstream of the termination codon. The variant allele was found at a frequency of 1.4e-05 in 148126 control chromosomes (gnomAD). The available data on variant occurrences in the general population are insufficient to allow any conclusion about variant significance. To our knowledge, no occurrence of c.*153C>T in individuals affected with Hereditary Hemorrhagic Telangiectasia and no experimental evidence demonstrating its impact on protein function have been reported. No submitters have cited clinical-significance assessments for this variant to ClinVar. Based on the evidence outlined above, the variant was classified as uncertain significance.

Blueprint Genetics
Classification: Uncertain significance. Last evaluated: 2020-07-23. Review status: criteria provided, single submitter. Criteria: ACMG Guidelines, 2015. Collection method: clinical testing. Allele origin: germline.